The following is an entry in ClinVar:

ClinVar aggregate classification (germline): Likely benign. Review status: criteria provided, multiple submitters, no conflicts (2 of 4 stars). 3 submissions from 3 submitters: Likely benign (2). 1 of the submissions does not count toward it. Last evaluated 2025-09-17.

Conditions:
PKHD1-related disorder. Also called: PKHD1-related condition.
Autosomal recessive polycystic kidney disease (ARPKD). Also called: AR polycystic kidney disease. Identifiers: Orphanet 731, Orphanet 8378, MedGen C0085548, MeSH D017044, MONDO:0009889.

Allele frequency attached by ClinVar (database versions not stated): gnomAD exomes 0.00017; ExAC 0.00019; ESP Exome Variant Server 0.00046; gnomAD 0.00050 and 0.00053; TOPMed 0.00054; 1000 Genomes Project 30x 0.00094; 1000 Genomes Project 0.00100.
gnomAD v4.1: 153 of 1,434,938 alleles (0.011%); highest among the groups gnomAD compares: African/African-American, 0.18%; no homozygotes.

Submissions (3):

Labcorp Genetics (formerly Invitae), Labcorp
Classification: Likely benign for Autosomal recessive polycystic kidney disease. Last evaluated: 2025-09-17. Review status: criteria provided, single submitter. Criteria: Invitae Variant Classification Sherloc (09022015). Collection method: clinical testing. Allele origin: germline.

Women's Health and Genetics/Laboratory Corporation of America, LabCorp
Classification: Likely benign. Last evaluated: 2025-01-09. Review status: criteria provided, single submitter. Criteria: LabCorp Variant Classification Summary - May 2015. Collection method: clinical testing. Allele origin: germline.
Comment: Variant summary: PKHD1 c.1119-18C>G alters a nucleotide located at a position not widely known to affect splicing. Consensus agreement among computation tools predict no significant impact on normal splicing. However, these predictions have yet to be confirmed by functional studies. The variant allele was found at a frequency of 0.00017 in 250732 control chromosomes. This frequency is not significantly higher than estimated for a pathogenic variant in PKHD1 causing Polycystic Kidney And Hepatic Disease (0.00017 vs 0.0071), allowing no conclusion about variant significance. To our knowledge, no occurrence of c.1119-18C>G in individuals affected with Polycystic Kidney And Hepatic Disease and no experimental evidence demonstrating its impact on protein function have been reported. ClinVar contains an entry for this variant (Variation ID: 633357). Based on the evidence outlined above, the variant was classified as likely benign.

PreventionGenetics, part of Exact Sciences
Classification: Likely benign for PKHD1-related condition. Last evaluated: 2022-05-31. Review status: no assertion criteria provided. Collection method: clinical testing. Allele origin: germline. Not counted in ClinVar's aggregate classification.
Comment: This variant is classified as likely benign based on ACMG/AMP sequence variant interpretation guidelines (Richards et al. 2015 PMID: 25741868, with internal and published modifications).

NM_138694.4(PKHD1):c.1119-18C>G

Gene: PKHD1 (PKHD1 ciliary IPT domain containing fibrocystin/polyductin; minus strand). Cytogenetic location: 6p12.2.
Variant type: single nucleotide variant.
Coding change: c.1119-18C>G on transcript NM_138694.4 (MANE Select); 18 bases into the intron before coding-DNA position 1119, C replaced by G.
Molecular consequence: intron variant.
Genome position (GRCh38, 1-based): chr6:52,060,060, G>C on the plus strand (C>G on the coding strand, the complement: PKHD1 is on the minus strand). VCF-style: chr6-52060060-G-C. GRCh37 (hg19) VCF-style: chr6-51924858-G-C.
Other names: c.1119-18C>G (NM_170724.3).
Identifiers: ClinVar variation 633357 (VCV000633357.13), dbSNP rs367960459, ClinGen allele CA3853639.
Genomic context (GRCh38, chr6:52,060,060, plus strand): 5'-ATTATTTGTCTCTGGAGCCACAAAGAACCCACTGAGCCGTGCTCTGTAAAGTAGAACATA[G>C]AGTCAAGCAAGAGTAACCAAGGCCTGAATCACTGAACCAACAAATGACTGCCCTTGTACT-3'